The following is an entry in ClinVar:

NM_001330078.2(NRXN1):c.3988G>T (p.Val1330Leu)

Gene: NRXN1 (neurexin 1; minus strand). Cytogenetic location: 2p16.3.
Variant type: single nucleotide variant.
Coding change: c.3988G>T on transcript NM_001330078.2 (MANE Select); coding-DNA position 3988, G replaced by T.
Protein change: p.Val1330Leu; replaces valine 1330 with leucine.
Molecular consequence: missense variant.
Genome position (GRCh38, 1-based): chr2:50,053,411, C>A on the plus strand (G>T on the coding strand, the complement: NRXN1 is on the minus strand). VCF-style: chr2-50053411-C-A. GRCh37 (hg19) VCF-style: chr2-50280549-C-A.
Other names: c.3817G>T, p.Val1273Leu (NM_001330088.2); c.883G>T, p.Val295Leu (NM_001330091.2, NM_001330092.2); c.3985G>T, p.Val1329Leu (NM_001330093.2); c.3976G>T, p.Val1326Leu (NM_001330094.2); c.793G>T, p.Val265Leu (NM_001330097.2, NM_138735.5); c.3898G>T, p.Val1300Leu (NM_004801.6); c.3847G>T, p.Val1283Leu (NM_001330095.2); c.3787G>T, p.Val1263Leu (NM_001330096.2, NM_001330087.2); and 6 more; short protein forms V1263L, V1370L, V1273L, V1283L, V265L, V295L, V1321L, V1326L.
Identifiers: ClinVar variation 1035076 (VCV001035076.10), dbSNP rs1693061743, ClinGen allele CA346819619.

ClinVar aggregate classification (germline): Uncertain significance (1 of 4 stars; one submission).

Conditions:
Pitt-Hopkins-like syndrome 2 (PTHSL2). Identifiers: Orphanet 221150, Orphanet 600663, MedGen C3280479, MONDO:0013690, OMIM 614325.

Submission:

Labcorp Genetics (formerly Invitae), Labcorp
Classification: Uncertain significance for Pitt-Hopkins-like syndrome 2. Last evaluated: 2022-03-23. Review status: criteria provided, single submitter. Criteria: Invitae Variant Classification Sherloc (09022015). Collection method: clinical testing. Allele origin: germline.
Comment: This sequence change replaces valine, which is neutral and non-polar, with leucine, which is neutral and non-polar, at codon 1370 of the NRXN1 protein (p.Val1370Leu). In summary, the available evidence is currently insufficient to determine the role of this variant in disease. Therefore, it has been classified as a Variant of Uncertain Significance. Algorithms developed to predict the effect of missense changes on protein structure and function are either unavailable or do not agree on the potential impact of this missense change (SIFT: "Deleterious"; PolyPhen-2: "Benign"; Align-GVGD: "Class C25"). ClinVar contains an entry for this variant (Variation ID: 1035076). This variant has not been reported in the literature in individuals affected with NRXN1-related conditions. This variant is not present in population databases (gnomAD no frequency).